The following is an entry in ClinVar:

ClinVar aggregate classification (germline): Conflicting classifications of pathogenicity. Review status: criteria provided, conflicting classifications (1 of 4 stars). 4 submissions from 4 submitters: Likely pathogenic (2); Likely benign (1). 1 of the submissions does not count toward it. Last evaluated 2025-02-01.

Conditions:
Short stature-pituitary and cerebellar defects-small sella turcica syndrome (CPHD4). Also called: Pituitary hormone deficiency, combined with or without cerebellar defects; Short stature, pituitary and cerebellar defects and small sella turcica. Identifiers: Orphanet 85442, MedGen C2678408, MONDO:0009880, OMIM 262700.

Allele frequency attached by ClinVar (database versions not stated): gnomAD 0.00001; TOPMed 0.00002; gnomAD exomes 0.00006; ExAC 0.00009.
gnomAD v4.1: 51 of 1,613,950 alleles (0.0032%); highest among the groups gnomAD compares: South Asian, 0.0033%; no homozygotes.

Submissions (4):

CeGaT Center for Human Genetics Tuebingen
Classification: Likely pathogenic. Last evaluated: 2025-02-01. Review status: criteria provided, single submitter. Criteria: CeGaT Center For Human Genetics Tuebingen Variant Classification Criteria Version 2. Collection method: clinical testing. Allele origin: germline. Affected: yes. Observed: 1 variant allele.
Comment: LHX4: PM2, PS4:Moderate, PP3, PS3:Supporting

Laboratory of Medical Genetics, National & Kapodistrian University of Athens
Classification: Likely pathogenic for Short stature-pituitary and cerebellar defects-small sella turcica syndrome. Last evaluated: 2021-10-01. Review status: criteria provided, single submitter. Criteria: ACMG Guidelines, 2015. Collection method: clinical testing. Allele origin: maternal. Affected: yes.
Comment: PS3, PM2, PP3, PP4, PP5

Mendelics
Classification: Likely benign for Short stature-pituitary and cerebellar defects-small sella turcica syndrome. Last evaluated: 2019-05-28. Review status: criteria provided, single submitter. Criteria: Mendelics Assertion Criteria 2017. Collection method: clinical testing. Allele origin: unknown.

OMIM
Classification: Pathogenic for PITUITARY HORMONE DEFICIENCY, COMBINED, 4. Last evaluated: 2008-03-01. Review status: no assertion criteria provided. Collection method: literature only. Allele origin: germline. Not counted in ClinVar's aggregate classification.

Literature cited by the submitters: PubMed 34008892 (cited by Laboratory of Medical Genetics, National & Kapodistrian University of Athens); Pfaeffle, R. W., Hunter, C. S., Savage, J. J., Duran-Prado, M., Mullen, R. D., Neeb, Z. P., Eiholzer, U., Hesse, V., Haddad, N. G., Stobbe, H. M., Blum, W. F., Weigel, J. F. W., Rhodes, S. J. Three novel missense mutations within the LHX4 gene are associated with variable pituitary hormone deficiencies. J. Clin. Endocr. Metab. 93: 1062-1071, 2008. (cited by OMIM).

NM_033343.4(LHX4):c.250C>T (p.Arg84Cys)

Gene: LHX4 (LIM homeobox 4; plus strand). Cytogenetic location: 1q25.2.
Variant type: single nucleotide variant.
Coding change: c.250C>T on transcript NM_033343.4 (MANE Select); coding-DNA position 250, C replaced by T.
Protein change: p.Arg84Cys; replaces arginine 84 with cysteine.
Molecular consequence: missense variant.
Genome position (GRCh38, 1-based): chr1:180,266,393, C>T. VCF-style: chr1-180266393-C-T. GRCh37 (hg19) VCF-style: chr1-180235528-C-T.
Other names: short protein forms R84C.
Identifiers: ClinVar variation 7508 (VCV000007508.17), dbSNP rs121912642, ClinGen allele CA250545.